The following is an entry in ClinVar:

ClinVar aggregate classification (germline): Uncertain significance (1 of 4 stars; one submission).

Submission:

GeneDx
Classification: Uncertain significance. Last evaluated: 2020-09-23. Review status: criteria provided, single submitter. Criteria: GeneDx Variant Classification Process June 2021. Collection method: clinical testing. Allele origin: germline. Affected: yes.
Comment: Not observed in large population cohorts (Lek 2016); In silico analysis supports that this missense variant has a deleterious effect on protein structure/function; Has not been previously published as pathogenic or benign to our knowledge

NM_016222.4(DDX41):c.103C>G (p.Pro35Ala)

Gene: DDX41 (DEAD-box helicase 41; minus strand). Cytogenetic location: 5q35.3.
Variant type: single nucleotide variant.
Coding change: c.103C>G on transcript NM_016222.4 (MANE Select); coding-DNA position 103, C replaced by G.
Protein change: p.Pro35Ala; replaces proline 35 with alanine.
Molecular consequence: missense variant. On other transcripts: 5 prime UTR variant (2).
Genome position (GRCh38, 1-based): chr5:177,516,760, G>C on the plus strand (C>G on the coding strand, the complement: DDX41 is on the minus strand). VCF-style: chr5-177516760-G-C. GRCh37 (hg19) VCF-style: chr5-176943761-G-C.
Other names: c.-553C>G (NM_001321732.2); c.-345C>G (NM_001321830.2); short protein forms P35A.
Identifiers: ClinVar variation 1313213 (VCV001313213.2), dbSNP rs2127438057, ClinGen allele CA362377797.